The following is an entry in ClinVar:

NM_025179.4(PLXNA2):c.2320A>T (p.Ile774Phe)

Gene: PLXNA2 (plexin A2; minus strand). Cytogenetic location: 1q32.2.
Variant type: single nucleotide variant.
Coding change: c.2320A>T on transcript NM_025179.4 (MANE Select); coding-DNA position 2320, A replaced by T.
Protein change: p.Ile774Phe; replaces isoleucine 774 with phenylalanine.
Molecular consequence: missense variant.
Genome position (GRCh38, 1-based): chr1:208,082,487, T>A on the plus strand (A>T on the coding strand, the complement: PLXNA2 is on the minus strand). VCF-style: chr1-208082487-T-A. GRCh37 (hg19) VCF-style: chr1-208255832-T-A.
Other names: c.2320A>T (NM_025179.3); short protein forms I774F.
Identifiers: ClinVar variation 1450019 (VCV001450019.10), dbSNP rs143627584, ClinGen allele CA1373562.

ClinVar aggregate classification (germline): Uncertain significance. Review status: criteria provided, multiple submitters, no conflicts (2 of 4 stars). 3 submissions from 3 submitters: Uncertain significance (3). Last evaluated 2026-04-06.

Conditions:
PLXNA2-related disorder. Also called: PLXNA2-related condition.

Allele frequency attached by ClinVar (database versions not stated): gnomAD exomes 0.00012 and 0.00019; ExAC 0.00014; gnomAD 0.00014 and 0.00015; TOPMed 0.00016; ESP Exome Variant Server 0.00031.
gnomAD v4.1: 314 of 1,614,056 alleles (0.019%); highest among the groups gnomAD compares: Middle Eastern, 0.13%; 1 homozygote.

Submissions (3):

PreventionGenetics, part of Exact Sciences
Classification: Uncertain significance for PLXNA2-related condition. Last evaluated: 2026-04-06. Review status: criteria provided, single submitter. Criteria: ACMG Guidelines, 2015. Collection method: clinical testing. Allele origin: germline.
Comment: The PLXNA2 c.2320A>T variant is predicted to result in the amino acid substitution p.Ile774Phe. To our knowledge, this variant has not been reported in the literature. This variant is reported in 0.020% of alleles in individuals of European (Non-Finnish) descent in gnomAD. At this time, the clinical significance of this variant is uncertain due to the absence of conclusive functional and genetic evidence.

Labcorp Genetics (formerly Invitae), Labcorp
Classification: Uncertain significance. Last evaluated: 2025-01-29. Review status: criteria provided, single submitter. Criteria: Invitae Variant Classification Sherloc (09022015). Collection method: clinical testing. Allele origin: germline.
Comment: This sequence change replaces isoleucine, which is neutral and non-polar, with phenylalanine, which is neutral and non-polar, at codon 774 of the PLXNA2 protein (p.Ile774Phe). This variant is present in population databases (rs143627584, gnomAD 0.02%). This variant has not been reported in the literature in individuals affected with PLXNA2-related conditions. ClinVar contains an entry for this variant (Variation ID: 1450019). Invitae Evidence Modeling of protein sequence and biophysical properties (such as structural, functional, and spatial information, amino acid conservation, physicochemical variation, residue mobility, and thermodynamic stability) indicates that this missense variant is not expected to disrupt PLXNA2 protein function with a negative predictive value of 80%. In summary, the available evidence is currently insufficient to determine the role of this variant in disease. Therefore, it has been classified as a Variant of Uncertain Significance.

Breakthrough Genomics
Classification: Uncertain significance. Review status: criteria provided, single submitter. Criteria: ACMG Guidelines, 2015. Collection method: not provided. Allele origin: germline. Inheritance: Unknown mechanism. Affected: yes.